The following is an entry in ClinVar:

ClinVar aggregate classification (germline): Uncertain significance. Review status: criteria provided, multiple submitters, no conflicts (2 of 4 stars). 2 submissions from 2 submitters: Uncertain significance (2). Last evaluated 2023-09-21.

Conditions:
Neurofibromatosis, type 1 (NF1). Also called: VON RECKLINGHAUSEN DISEASE; Peripheral type neurofibromatosis; Neurofibromatosis, type I; NEUROFIBROMATOSIS, TYPE I, SOMATIC. Identifiers: Orphanet 636, MedGen C0027831, MONDO:0018975, OMIM 162200. Disease mechanism: loss of function.
Hereditary cancer-predisposing syndrome. Also called: Neoplastic Syndromes, Hereditary; Hereditary Cancer Syndrome; Hereditary neoplastic syndrome; Tumor predisposition. Identifiers: Orphanet 140162, MedGen C0027672, MeSH D009386, MONDO:0015356.
Cardiovascular phenotype. Identifiers: MedGen CN230736.

Submissions (2):

Ambry Genetics
Classification: Uncertain significance for Cardiovascular phenotype; Hereditary cancer-predisposing syndrome. Last evaluated: 2023-09-21. Review status: criteria provided, single submitter. Criteria: Ambry Variant Classification Scheme 2023. Collection method: clinical testing. Allele origin: germline.
Comment: The p.L1501P variant (also known as c.4502T>C), located in coding exon 33 of the NF1 gene, results from a T to C substitution at nucleotide position 4502. The leucine at codon 1501 is replaced by proline, an amino acid with similar properties. This amino acid position is conserved. In addition, this alteration is predicted to be deleterious by in silico analysis. Since supporting evidence is limited at this time, the clinical significance of this alteration remains unclear.

Labcorp Genetics (formerly Invitae), Labcorp
Classification: Uncertain significance for Neurofibromatosis, type 1. Last evaluated: 2022-12-07. Review status: criteria provided, single submitter. Criteria: Invitae Variant Classification Sherloc (09022015). Collection method: clinical testing. Allele origin: germline.
Comment: In summary, the available evidence is currently insufficient to determine the role of this variant in disease. Therefore, it has been classified as a Variant of Uncertain Significance. Advanced modeling of protein sequence and biophysical properties (such as structural, functional, and spatial information, amino acid conservation, physicochemical variation, residue mobility, and thermodynamic stability) performed at Invitae indicates that this missense variant is expected to disrupt NF1 protein function. This variant has not been reported in the literature in individuals affected with NF1-related conditions. This variant is not present in population databases (gnomAD no frequency). This sequence change replaces leucine, which is neutral and non-polar, with proline, which is neutral and non-polar, at codon 1501 of the NF1 protein (p.Leu1501Pro).

NM_001042492.3(NF1):c.4565T>C (p.Leu1522Pro)

Gene: NF1 (neurofibromin 1; plus strand). Cytogenetic location: 17q11.2.
Variant type: single nucleotide variant.
Coding change: c.4565T>C on transcript NM_001042492.3 (MANE Select); coding-DNA position 4565, T replaced by C.
Protein change: p.Leu1522Pro; replaces leucine 1522 with proline.
Molecular consequence: missense variant.
Genome position (GRCh38, 1-based): chr17:31,260,503, T>C. VCF-style: chr17-31260503-T-C. GRCh37 (hg19) VCF-style: chr17-29587521-T-C.
Other names: c.4502T>C, p.Leu1501Pro (NM_000267.4); short protein forms L1501P, L1522P.
Identifiers: ClinVar variation 2819086 (VCV002819086.4), dbSNP rs2151464842, ClinGen allele CA398999927.